The following is an entry in ClinVar:

NM_052945.4(TNFRSF13C):c.14C>A (p.Pro5His)

Genes: TNFRSF13C (TNF receptor superfamily member 13C; minus strand), LOC130067574 (ATAC-STARR-seq lymphoblastoid silent region 13813; plus strand). Cytogenetic location: 22q13.2.
Variant type: single nucleotide variant.
Coding change: c.14C>A on transcript NM_052945.4 (MANE Select); coding-DNA position 14, C replaced by A.
Protein change: p.Pro5His; replaces proline 5 with histidine.
Molecular consequence: missense variant.
Genome position (GRCh38, 1-based): chr22:41,926,760, G>T on the plus strand (C>A on the coding strand, the complement: TNFRSF13C is on the minus strand). VCF-style: chr22-41926760-G-T. GRCh37 (hg19) VCF-style: chr22-42322764-G-T.
Other names: short protein forms P5H.
Identifiers: ClinVar variation 1392259 (VCV001392259.8), dbSNP rs921374310, ClinGen allele CA411763939.
Genomic context (GRCh38, chr22:41,926,760, plus strand): 5'-AAGCACTCGGCCGGGACGCAGGGCGTGGGGGCTGGCGCGTCCCTGCCCCGCAGGCTCCGG[G>T]GCCCTCGCCTCATGGTGCCGACGCCGCCGCACAAGCTGCGGGGACTGAGGCTGAGCTGGG-3'
Protein context (NP_443177.1, residues 1-15): MRRG[Pro5His]RSLRGRDAPA

ClinVar aggregate classification (germline): Uncertain significance (1 of 4 stars; one submission).

Conditions:
Immunodeficiency, common variable, 4. Also called: ANTIBODY DEFICIENCY DUE TO BAFFR DEFECT. Identifiers: Orphanet 1572, Orphanet 696925, MedGen C3150739, MONDO:0013284, OMIM 613494.

Submission:

Labcorp Genetics (formerly Invitae), Labcorp
Classification: Uncertain significance for Immunodeficiency, common variable, 4. Last evaluated: 2023-10-03. Review status: criteria provided, single submitter. Criteria: Invitae Variant Classification Sherloc (09022015). Collection method: clinical testing. Allele origin: germline.
Comment: This sequence change replaces proline, which is neutral and non-polar, with histidine, which is basic and polar, at codon 5 of the TNFRSF13C protein (p.Pro5His). This variant is not present in population databases (gnomAD no frequency). This variant has not been reported in the literature in individuals affected with TNFRSF13C-related conditions. ClinVar contains an entry for this variant (Variation ID: 1392259). An algorithm developed to predict the effect of missense changes on protein structure and function (PolyPhen-2) suggests that this variant is likely to be tolerated. In summary, the available evidence is currently insufficient to determine the role of this variant in disease. Therefore, it has been classified as a Variant of Uncertain Significance.